The following is an entry in ClinVar:

NM_000218.3(KCNQ1):c.1394-546T>C

Genes: KCNQ1 (potassium voltage-gated channel subfamily Q member 1; plus strand), KCNQ1OT1 (KCNQ1 opposite strand/antisense transcript 1; minus strand). Cytogenetic location: 11p15.5.
Variant type: single nucleotide variant.
Coding change: c.1394-546T>C on transcript NM_000218.3 (MANE Select); 546 bases into the intron before coding-DNA position 1394, T replaced by C.
Molecular consequence: intron variant.
Genome position (GRCh38, 1-based): chr11:2,661,415, T>C. VCF-style: chr11-2661415-T-C. GRCh37 (hg19) VCF-style: chr11-2682645-T-C.
Other names: c.1124-546T>C (NM_001406837.1); c.1298-546T>C (NM_001406836.1); c.854-546T>C (NM_001406838.1); c.1013-546T>C (NM_181798.2).
Identifiers: ClinVar variation 1694610 (VCV001694610.32), dbSNP rs117134350, ClinGen allele CA216170169.

ClinVar aggregate classification (germline): Benign/Likely benign. Review status: criteria provided, multiple submitters, no conflicts (2 of 4 stars). 2 submissions from 2 submitters: Benign (1); Likely benign (1). Last evaluated 2026-09-01.

Allele frequency attached by ClinVar (database versions not stated): 1000 Genomes Project 30x 0.00390; 1000 Genomes Project 0.00399; gnomAD 0.00433 and 0.00461; TOPMed 0.00471; gnomAD exomes 0.00611.
gnomAD v4.1: 2,312 of 414,560 alleles (0.56%); highest among the groups gnomAD compares: Middle Eastern, 1.6%; 21 homozygotes.

Submissions (2):

CeGaT Center for Human Genetics Tuebingen
Classification: Benign. Last evaluated: 2026-09-01. Review status: criteria provided, single submitter. Criteria: CeGaT Center For Human Genetics Tuebingen Variant Classification Criteria Version 2. Collection method: clinical testing. Allele origin: germline. Affected: yes. Observed: 79 variant alleles.
Comment: KCNQ1OT1: BS1, BS2; KCNQ1: BS1, BS2

Blueprint Genetics
Classification: Likely benign. Last evaluated: 2024-11-22. Review status: criteria provided, single submitter. Criteria: ACMG Guidelines, 2015. Collection method: clinical testing. Allele origin: germline.